The following is an entry in ClinVar:

ClinVar aggregate classification (germline): Uncertain significance. Review status: criteria provided, multiple submitters, no conflicts (2 of 4 stars). 2 submissions from 2 submitters: Uncertain significance (2). Last evaluated 2025-08-22.

Conditions:
Inborn genetic diseases. Identifiers: MedGen C0950123, MeSH D030342.

gnomAD v4.1: 24 of 1,613,702 alleles (0.0015%); highest among the groups gnomAD compares: Admixed American, 0.0083%; 1 homozygote.

Submissions (2):

Ambry Genetics
Classification: Uncertain significance for Inborn genetic diseases. Last evaluated: 2025-08-22. Review status: criteria provided, single submitter. Criteria: Ambry Variant Classification Scheme 2023. Collection method: clinical testing. Allele origin: germline.

GeneDx
Classification: Uncertain significance. Last evaluated: 2024-05-03. Review status: criteria provided, single submitter. Criteria: GeneDx Variant Classification Process June 2021. Collection method: clinical testing. Allele origin: germline. Affected: yes.
Comment: Not observed at significant frequency in large population cohorts (gnomAD); In silico analysis supports that this missense variant has a deleterious effect on protein structure/function; Has not been previously published as pathogenic or benign to our knowledge

NM_013296.5(GPSM2):c.608G>A (p.Arg203His)

Gene: GPSM2 (G protein signaling modulator 2; plus strand). Cytogenetic location: 1p13.3.
Variant type: single nucleotide variant.
Coding change: c.608G>A on transcript NM_013296.5 (MANE Select); coding-DNA position 608, G replaced by A.
Protein change: p.Arg203His; replaces arginine 203 with histidine.
Molecular consequence: missense variant.
Genome position (GRCh38, 1-based): chr1:108,898,692, G>A. VCF-style: chr1-108898692-G-A. GRCh37 (hg19) VCF-style: chr1-109441314-G-A.
Other names: c.608G>A, p.Arg203His (NM_001321038.2, NM_001321039.3); short protein forms R203H.
Identifiers: ClinVar variation 3373292 (VCV003373292.2).